The following is an entry in ClinVar:

NM_001267550.2(TTN):c.106127G>C (p.Gly35376Ala)

Genes: TTN (titin; minus strand), TTN-AS1 (TTN antisense RNA 1; plus strand), LOC129935182 (ATAC-STARR-seq lymphoblastoid active region 16807; plus strand). Cytogenetic location: 2q31.2.
Variant type: single nucleotide variant.
Coding change: c.106127G>C on transcript NM_001267550.2 (MANE Select); coding-DNA position 106127, G replaced by C.
Protein change: p.Gly35376Ala; replaces glycine 35376 with alanine.
Molecular consequence: missense variant.
Genome position (GRCh38, 1-based): chr2:178,530,488, C>G on the plus strand (G>C on the coding strand, the complement: TTN is on the minus strand). VCF-style: chr2-178530488-C-G. GRCh37 (hg19) VCF-style: chr2-179395215-C-G.
Other names: c.101204G>C, p.Gly33735Ala (NM_001256850.1); c.78932G>C, p.Gly26311Ala (NM_003319.4); c.98423G>C, p.Gly32808Ala (NM_133378.4); c.79307G>C, p.Gly26436Ala (NM_133432.3); c.79508G>C, p.Gly26503Ala (NM_133437.4); short protein forms G33735A, G35376A, G26311A, G26436A, G32808A, G26503A.
Identifiers: ClinVar variation 516957 (VCV000516957.3), dbSNP rs752758517, ClinGen allele CA1985162.

ClinVar aggregate classification (germline): Conflicting classifications of pathogenicity. Review status: criteria provided, conflicting classifications (1 of 4 stars). 3 submissions from 3 submitters: Uncertain significance (2); Likely benign (1). Last evaluated 2025-11-07.

Conditions:
TTN-related disorder. Also called: TTN-related condition; TTN-related disease; TTN-related disorders.

Allele frequency attached by ClinVar (database versions not stated): gnomAD exomes 0.00001 and 0.00002; TOPMed 0.00001; ExAC 0.00002; gnomAD 0.00003.
gnomAD v4.1: 22 of 1,613,780 alleles (0.0014%); highest among the groups gnomAD compares: Non-Finnish European, 0.0018%; no homozygotes.

Submissions (3):

PreventionGenetics, part of Exact Sciences
Classification: Uncertain significance for TTN-related condition. Last evaluated: 2025-11-07. Review status: criteria provided, single submitter. Criteria: ACMG Guidelines, 2015. Collection method: clinical testing. Allele origin: germline.
Comment: The TTN c.106127G>C variant is predicted to result in the amino acid substitution p.Gly35376Ala. To our knowledge, this variant has not been reported in the literature. This variant is reported in 0.0053% of alleles in individuals of European (Non-Finnish) descent in gnomAD. At this time, the clinical significance of this variant is uncertain due to the absence of conclusive functional and genetic evidence.

Laboratory for Molecular Medicine, Mass General Brigham Personalized Medicine
Classification: Uncertain significance. Last evaluated: 2021-10-27. Review status: criteria provided, single submitter. Criteria: ACMG Guidelines, 2015. Collection method: clinical testing. Allele origin: germline.
Comment: The p.Gly32808Ala variant in TTN has not been previously reported in individuals with cardiomyopathy but has been reported by another clinical laboratory in ClinVar (Variation ID: 516957). It has also been identified in 0.005% (6/112734) of European chromosomes by gnomAD. Computational prediction tools and conservation analyses do not provide strong support for or against an impact to the protein. In summary, the clinical significance of this variant is uncertain. ACMG/AMP Criteria applied: none

GeneDx
Classification: Likely benign. Last evaluated: 2018-03-05. Review status: criteria provided, single submitter. Criteria: GeneDx Variant Classification (06012015). Collection method: clinical testing. Allele origin: germline. Affected: yes.
Comment: This variant is considered likely benign or benign based on one or more of the following criteria: it is a conservative change, it occurs at a poorly conserved position in the protein, it is predicted to be benign by multiple in silico algorithms, and/or has population frequency not consistent with disease.